The following is an entry in ClinVar:

NM_000548.5(TSC2):c.2060C>T (p.Ser687Phe)

Gene: TSC2 (TSC complex subunit 2; plus strand). Cytogenetic location: 16p13.3.
Variant type: single nucleotide variant.
Coding change: c.2060C>T on transcript NM_000548.5 (MANE Select); coding-DNA position 2060, C replaced by T.
Protein change: p.Ser687Phe; replaces serine 687 with phenylalanine.
Molecular consequence: missense variant.
Genome position (GRCh38, 1-based): chr16:2,071,897, C>T. VCF-style: chr16-2071897-C-T. GRCh37 (hg19) VCF-style: chr16-2121898-C-T.
Other names: c.2060C>T, p.Ser687Phe (NM_001077183.3, NM_001114382.3, NM_001363528.2 and 3 more transcripts); c.1949C>T, p.Ser650Phe (NM_001318827.2); c.1913C>T, p.Ser638Phe (NM_001318829.2); c.1460C>T, p.Ser487Phe (NM_001318831.2); c.2093C>T, p.Ser698Phe (NM_001318832.2); short protein forms S487F, S638F, S650F, S687F, S698F.
Identifiers: ClinVar variation 664491 (VCV000664491.9), dbSNP rs1455799897, ClinGen allele CA394274638.

ClinVar aggregate classification (germline): Uncertain significance. Review status: criteria provided, multiple submitters, no conflicts (2 of 4 stars). 3 submissions from 3 submitters: Uncertain significance (3). Last evaluated 2025-11-05.

Conditions:
Tuberous sclerosis syndrome (TSC). Also called: Tuberous Sclerosis Complex; Tuberous sclerosis. Identifiers: Orphanet 805, MedGen C0041341, MONDO:0001734.
Hereditary cancer-predisposing syndrome. Also called: Neoplastic Syndromes, Hereditary; Hereditary neoplastic syndrome; Tumor predisposition; Hereditary Cancer Syndrome. Identifiers: Orphanet 140162, MedGen C0027672, MeSH D009386, MONDO:0015356.
Tuberous sclerosis 2 (TSC2). Identifiers: Orphanet 805, MedGen C1860707, MONDO:0013199, OMIM 613254.

gnomAD v4.1: 1 of 1,596,142 alleles (0.000063%); highest among the groups gnomAD compares: East Asian, 0.0023%; no homozygotes.

Submissions (3):

Labcorp Genetics (formerly Invitae), Labcorp
Classification: Uncertain significance for Tuberous sclerosis 2. Last evaluated: 2025-11-05. Review status: criteria provided, single submitter. Criteria: Invitae Variant Classification Sherloc (09022015). Collection method: clinical testing. Allele origin: germline.
Comment: This sequence change replaces serine, which is neutral and polar, with phenylalanine, which is neutral and non-polar, at codon 687 of the TSC2 protein (p.Ser687Phe). This variant is not present in population databases (gnomAD no frequency). This variant has not been reported in the literature in individuals affected with TSC2-related conditions. ClinVar contains an entry for this variant (Variation ID: 664491). Invitae Evidence Modeling of protein sequence and biophysical properties (such as structural, functional, and spatial information, amino acid conservation, physicochemical variation, residue mobility, and thermodynamic stability) indicates that this missense variant is not expected to disrupt TSC2 protein function with a negative predictive value of 95%. In summary, the available evidence is currently insufficient to determine the role of this variant in disease. Therefore, it has been classified as a Variant of Uncertain Significance.

Ambry Genetics
Classification: Uncertain significance for Hereditary cancer-predisposing syndrome. Last evaluated: 2025-02-25. Review status: criteria provided, single submitter. Criteria: Ambry Variant Classification Scheme 2023. Collection method: clinical testing. Allele origin: germline.
Comment: The p.S687F variant (also known as c.2060C>T), located in coding exon 18 of the TSC2 gene, results from a C to T substitution at nucleotide position 2060. The serine at codon 687 is replaced by phenylalanine, an amino acid with highly dissimilar properties. This amino acid position is well conserved in available vertebrate species. In addition, this alteration is predicted to be deleterious by in silico analysis. Based on the available evidence, the clinical significance of this variant remains unclear.

All of Us Research Program, National Institutes of Health
Classification: Uncertain significance for Tuberous sclerosis syndrome. Last evaluated: 2024-05-14. Review status: criteria provided, single submitter. Criteria: ACMG Guidelines, 2015. Collection method: clinical testing. Allele origin: germline. Inheritance: Autosomal dominant inheritance. Observed: 1 variant allele, 1 heterozygote.
Comment: This missense variant replaces serine with phenylalanine at codon 687 of the TSC2 protein. Computational prediction suggests that this variant may have deleterious impact on protein structure and function. To our knowledge, functional studies have not been reported for this variant. This variant has not been reported in individuals affected with TSC2-related disorders in the literature. This variant has not been identified in the general population by the Genome Aggregation Database (gnomAD). The available evidence is insufficient to determine the role of this variant in disease conclusively. Therefore, this variant is classified as a Variant of Uncertain Significance.

This study involves interpretation of variants in research participants for the purpose of population health screening. Participant phenotype was not available at the time of variant classification. Additional details can be found in publication PMID: 35346344, PMCID: PMC8962531